The following is an entry in ClinVar:

ClinVar aggregate classification (germline): Uncertain significance (1 of 4 stars; one submission).

Conditions:
Inborn genetic diseases. Identifiers: MedGen C0950123, MeSH D030342.

Submission:

Ambry Genetics
Classification: Uncertain significance for Inborn genetic diseases. Last evaluated: 2024-12-06. Review status: criteria provided, single submitter. Criteria: Ambry Variant Classification Scheme 2023. Collection method: clinical testing. Allele origin: germline.
Comment: The p.S1029G variant (also known as c.3085A>G), located in coding exon 23 of the BUB1B gene, results from an A to G substitution at nucleotide position 3085. The serine at codon 1029 is replaced by glycine, an amino acid with similar properties. This amino acid position is conserved. In addition, this alteration is predicted to be tolerated by in silico analysis. Based on the available evidence, the clinical significance of this variant remains unclear.

NM_001211.6(BUB1B):c.3085A>G (p.Ser1029Gly)

Genes: BUB1B-PAK6 (BUB1B-PAK6 readthrough; plus strand), BUB1B (BUB1 mitotic checkpoint serine/threonine kinase B; plus strand). Cytogenetic location: 15q15.1.
Variant type: single nucleotide variant.
Coding change: c.3085A>G on transcript NM_001211.6 (MANE Select); coding-DNA position 3085, A replaced by G.
Protein change: p.Ser1029Gly; replaces serine 1029 with glycine.
Molecular consequence: missense variant. On other transcripts: intron variant (2).
Genome position (GRCh38, 1-based): chr15:40,220,691, A>G. VCF-style: chr15-40220691-A-G. GRCh37 (hg19) VCF-style: chr15-40512892-A-G.
Other names: c.-201+3024A>G (NM_001128628.3); c.-118+3024A>G (NM_001128629.3); short protein forms S1029G.
Identifiers: ClinVar variation 3483251 (VCV003483251.1).